The following is an entry in ClinVar:

NM_153240.5(NPHP3):c.1571C>T (p.Pro524Leu)

Genes: NPHP3 (nephrocystin 3; minus strand), NPHP3-ACAD11 (NPHP3-ACAD11 readthrough (NMD candidate); minus strand). Cytogenetic location: 3q22.1.
Variant type: single nucleotide variant.
Coding change: c.1571C>T on transcript NM_153240.5 (MANE Select); coding-DNA position 1571, C replaced by T.
Protein change: p.Pro524Leu; replaces proline 524 with leucine.
Molecular consequence: missense variant. On other transcripts: non-coding transcript variant (1).
Genome position (GRCh38, 1-based): chr3:132,701,487, G>A on the plus strand (C>T on the coding strand, the complement: NPHP3 is on the minus strand). VCF-style: chr3-132701487-G-A. GRCh37 (hg19) VCF-style: chr3-132420331-G-A.
Other names: short protein forms P524L.
Identifiers: ClinVar variation 1405232 (VCV001405232.9), dbSNP rs1309124422, ClinGen allele CA354583499.

ClinVar aggregate classification (germline): Uncertain significance (1 of 4 stars; one submission).

Conditions:
Nephronophthisis. Also called: Juvenile Nephronophthisis. Identifiers: Orphanet 655, MedGen C0687120, MONDO:0019005, HP:0000090.

Allele frequency attached by ClinVar (database versions not stated): gnomAD exomes below 0.00001 and 0.00001; gnomAD 0.00001.
gnomAD v4.1: 11 of 1,613,718 alleles (0.00068%); highest among the groups gnomAD compares: Non-Finnish European, 0.00085%; no homozygotes.

Submission:

Labcorp Genetics (formerly Invitae), Labcorp
Classification: Uncertain significance for Nephronophthisis. Last evaluated: 2022-01-25. Review status: criteria provided, single submitter. Criteria: Invitae Variant Classification Sherloc (09022015). Collection method: clinical testing. Allele origin: germline.
Comment: In summary, the available evidence is currently insufficient to determine the role of this variant in disease. Therefore, it has been classified as a Variant of Uncertain Significance. Algorithms developed to predict the effect of missense changes on protein structure and function are either unavailable or do not agree on the potential impact of this missense change (SIFT: "Deleterious"; PolyPhen-2: "Probably Damaging"; Align-GVGD: "Class C0"). This variant has not been reported in the literature in individuals affected with NPHP3-related conditions. The frequency data for this variant in the population databases is considered unreliable, as metrics indicate poor data quality at this position in the gnomAD database. This sequence change replaces proline, which is neutral and non-polar, with leucine, which is neutral and non-polar, at codon 524 of the NPHP3 protein (p.Pro524Leu).